The following is an entry in ClinVar:

ClinVar aggregate classification (germline): Likely benign (1 of 4 stars; one submission).

Allele frequency attached by ClinVar (database versions not stated): gnomAD exomes 0.00037.
gnomAD v4.1: 26 of 154,914 alleles (0.017%); highest among the groups gnomAD compares: Admixed American, 0.085%; 1 homozygote.

Submission:

CeGaT Center for Human Genetics Tuebingen
Classification: Likely benign. Last evaluated: 2026-08-01. Review status: criteria provided, single submitter. Criteria: CeGaT Center For Human Genetics Tuebingen Variant Classification Criteria Version 2. Collection method: clinical testing. Allele origin: germline. Affected: yes. Observed: 2 variant alleles.
Comment: EEF1A2: BS2

NM_001958.5(EEF1A2):c.*246C>T

Gene: EEF1A2 (eukaryotic translation elongation factor 1 alpha 2; minus strand). Cytogenetic location: 20q13.33.
Variant type: single nucleotide variant.
Coding change: c.*246C>T on transcript NM_001958.5 (MANE Select); 246 bases downstream of the stop codon, C replaced by T.
Molecular consequence: 3 prime UTR variant.
Genome position (GRCh38, 1-based): chr20:63,488,052, G>A on the plus strand (C>T on the coding strand, the complement: EEF1A2 is on the minus strand). VCF-style: chr20-63488052-G-A. GRCh37 (hg19) VCF-style: chr20-62119405-G-A.
Identifiers: ClinVar variation 3026366 (VCV003026366.22), dbSNP rs771237766, ClinGen allele CA317435588.